The following is an entry in ClinVar:

NM_001283009.2(RTEL1):c.3240G>C (p.Leu1080Phe)

Genes: RTEL1-TNFRSF6B (RTEL1-TNFRSF6B readthrough (NMD candidate); plus strand), RTEL1 (regulator of telomere elongation helicase 1; plus strand). Cytogenetic location: 20q13.33.
Variant type: single nucleotide variant.
Coding change: c.3240G>C on transcript NM_001283009.2 (MANE Select); coding-DNA position 3240, G replaced by C.
Protein change: p.Leu1080Phe; replaces leucine 1080 with phenylalanine.
Molecular consequence: missense variant. On other transcripts: non-coding transcript variant (1).
Genome position (GRCh38, 1-based): chr20:63,694,871, G>C. VCF-style: chr20-63694871-G-C. GRCh37 (hg19) VCF-style: chr20-62326224-G-C.
Other names: c.2571G>C, p.Leu857Phe (NM_001283010.1); c.3240G>C, p.Leu1080Phe (NM_016434.4); c.3312G>C, p.Leu1104Phe (NM_032957.5); short protein forms L1080F, L1104F, L857F.
Identifiers: ClinVar variation 2631337 (VCV002631337.4), dbSNP rs1461583945, ClinGen allele CA409685025.

ClinVar aggregate classification (germline): Uncertain significance. Review status: criteria provided, multiple submitters, no conflicts (2 of 4 stars). 4 submissions from 4 submitters: Uncertain significance (3). 1 of the submissions does not count toward it. Last evaluated 2026-08-20.

Conditions:
Dyskeratosis congenita. Identifiers: Orphanet 1775, MedGen C0265965, MONDO:0015780.
Inborn genetic diseases. Identifiers: MedGen C0950123, MeSH D030342.
Dyskeratosis congenita, autosomal recessive 5 (DKCB5). Identifiers: MedGen C3554656, MONDO:0014076, OMIM 615190.
Pulmonary fibrosis and/or bone marrow failure, Telomere-related, 3. Also called: PULMONARY FIBROSIS AND/OR BONE MARROW FAILURE SYNDROME, TELOMERE-RELATED, 3. Identifiers: Orphanet 2032, MedGen C4225346, MONDO:0014613, OMIM 616373.
RTEL1-related disorder. Also called: RTEL1-related disorders; RTEL1-related condition.

Allele frequency attached by ClinVar (database versions not stated): gnomAD 0.00001; gnomAD exomes below 0.00001; TOPMed 0.00001.
gnomAD v4.1: 4 of 1,612,534 alleles (0.00025%); highest among the groups gnomAD compares: Middle Eastern, 0.016%; no homozygotes.

Submissions (4):

Ambry Genetics
Classification: Uncertain significance for Inborn genetic diseases. Last evaluated: 2026-08-20. Review status: criteria provided, single submitter. Criteria: Ambry Variant Classification Scheme 2023. Collection method: clinical testing. Allele origin: germline.
Comment: The p.L1080F variant (also known as c.3240G>C), located in coding exon 31 of the RTEL1 gene, results from a G to C substitution at nucleotide position 3240. The leucine at codon 1080 is replaced by phenylalanine, an amino acid with highly similar properties. This amino acid position is conserved. In addition, this alteration is predicted to be tolerated by in silico analysis. Based on the available evidence, the clinical significance of this variant remains unclear.

Labcorp Genetics (formerly Invitae), Labcorp
Classification: Uncertain significance for Dyskeratosis congenita, autosomal recessive 5; Pulmonary fibrosis and/or bone marrow failure, Telomere-related, 3. Last evaluated: 2025-10-14. Review status: criteria provided, single submitter. Criteria: Invitae Variant Classification Sherloc (09022015). Collection method: clinical testing. Allele origin: germline.
Comment: This sequence change replaces leucine, which is neutral and non-polar, with phenylalanine, which is neutral and non-polar, at codon 1080 of the RTEL1 protein (p.Leu1080Phe). This variant is not present in population databases (gnomAD no frequency). This variant has not been reported in the literature in individuals affected with RTEL1-related conditions. ClinVar contains an entry for this variant (Variation ID: 2631337). An algorithm developed to predict the effect of missense changes on protein structure and function (PolyPhen-2) suggests that this variant is likely to be tolerated. In summary, the available evidence is currently insufficient to determine the role of this variant in disease. Therefore, it has been classified as a Variant of Uncertain Significance.

PreventionGenetics, part of Exact Sciences
Classification: Uncertain significance for RTEL1-related condition. Last evaluated: 2023-08-01. Review status: criteria provided, single submitter. Criteria: ACMG Guidelines, 2015. Collection method: clinical testing. Allele origin: germline.
Comment: The RTEL1 c.3312G>C variant is predicted to result in the amino acid substitution p.Leu1104Phe. To our knowledge, this variant has not been reported in the literature or in a large population database, indicating this variant is rare. At this time, the clinical significance of this variant is uncertain due to the absence of conclusive functional and genetic evidence.

Natera, Inc.
Classification: Uncertain significance for Dyskeratosis congenita. Last evaluated: 2025-04-10. Review status: no assertion criteria provided. Collection method: clinical testing. Allele origin: germline. Not counted in ClinVar's aggregate classification.